The following is an entry in ClinVar:

ClinVar aggregate classification (germline): Likely benign (1 of 4 stars; one submission).

Submission:

CeGaT Center for Human Genetics Tuebingen
Classification: Likely benign. Last evaluated: 2026-01-01. Review status: criteria provided, single submitter. Criteria: CeGaT Center For Human Genetics Tuebingen Variant Classification Criteria Version 2. Collection method: clinical testing. Allele origin: germline. Affected: yes. Observed: 1 variant allele.
Comment: H4C5: BP4, BP7

NM_003545.4(H4C5):c.228C>T (p.His76=)

Gene: H4C5 (H4 clustered histone 5; plus strand). Cytogenetic location: 6p22.2.
Variant type: single nucleotide variant.
Coding change: c.228C>T on transcript NM_003545.4 (MANE Select); coding-DNA position 228, C replaced by T.
Protein change: p.His76=; no amino-acid change (histidine 76 retained).
Molecular consequence: synonymous variant.
Genome position (GRCh38, 1-based): chr6:26,204,872, C>T. VCF-style: chr6-26204872-C-T. GRCh37 (hg19) VCF-style: chr6-26205100-C-T.
Identifiers: ClinVar variation 4821616 (VCV004821616.4).
Genomic context (GRCh38, chr6:26,204,872, plus strand): 5'-CGGGGTTCTGAAGGTGTTTCTGGAAAACGTGATTCGTGATGCTGTGACTTACACGGAGCA[C>T]GCCAAACGCAAGACAGTGACAGCGATGGATGTGGTCTACGCGCTGAAGAGACAGGGACGC-3'
Protein context (NP_003536.1, residues 66-86): VIRDAVTYTE[His76=]AKRKTVTAMD